The following is an entry in ClinVar:

ClinVar aggregate classification (germline): Benign/Likely benign. Review status: criteria provided, multiple submitters, no conflicts (2 of 4 stars). 19 submissions from 17 submitters: Benign (6); Likely benign (8). 5 of the submissions do not count toward it. Last evaluated 2026-02-04.

Conditions:
Pheochromocytoma. Also called: MAX-Related Hereditary Paraganglioma-Pheochromocytoma Syndrome. Identifiers: Orphanet 29072, MedGen C0031511, MONDO:0008233, OMIM 171300, HP:0002666.
Carney-Stratakis syndrome. Also called: PARAGANGLIOMA AND GASTROINTESTINAL STROMAL TUMOR. Identifiers: Orphanet 97286, MedGen C1847319, MONDO:0011740, OMIM 606864.
Pheochromocytoma/paraganglioma syndrome 4. Also called: CAROTID BODY TUMORS AND MULTIPLE EXTRAADRENAL PHEOCHROMOCYTOMAS; SDHB-Related Hereditary Paraganglioma-Pheochromocytoma Syndrome; PARAGANGLIOMA, FAMILIAL MALIGNANT; PARAGANGLIOMAS, HEREDITARY EXTRAADRENAL; PHEOCHROMOCYTOMA, FAMILIAL EXTRAADRENAL; SDHB-Related Hereditary Paraganglioma-Pheochromocytoma Syndrome (Paragangliomas 4). Identifiers: Orphanet 29072, MedGen C1861848, MONDO:0007273, OMIM 115310.
Gastrointestinal stromal tumor. Also called: Gastrointestinal stromal tumor, somatic; Gastrointestinal stroma tumor. Identifiers: Orphanet 44890, MedGen C0238198, MeSH D046152, MONDO:0011719, OMIM 606764, HP:0100723.
Mitochondrial complex 2 deficiency, nuclear type 4. Also called: MITOCHONDRIAL COMPLEX II DEFICIENCY, NUCLEAR TYPE 4. Identifiers: MedGen C5543176, MONDO:0030974, OMIM 619224.
Paraganglioma. Also called: Carotid body tumor. Identifiers: MedGen C0030421, MONDO:0000448, HP:0002668.
SDHB-related disorder. Also called: SDHB-related condition; SDHB-related disorders. Identifiers: MedGen CN239418.
Hereditary cancer-predisposing syndrome. Also called: Neoplastic Syndromes, Hereditary; Hereditary neoplastic syndrome; Tumor predisposition; Hereditary Cancer Syndrome. Identifiers: Orphanet 140162, MedGen C0027672, MeSH D009386, MONDO:0015356.
Hereditary pheochromocytoma and paraganglioma. Also called: Hereditary pheochromocytoma-paraganglioma; Hereditary Paraganglioma-Pheochromocytoma Syndromes; Hereditary paragangliomas and pheochromocytomas. Identifiers: Orphanet 29072, MedGen C4274332, MONDO:0017366.
Papillary renal cell carcinoma type 1 (RCCP1). Also called: Renal adenocarcinoma; Renal cell carcinoma 1; Renal cell carcinoma, somatic; RENAL CELL CARCINOMA, PAPILLARY, 1, SOMATIC. Identifiers: Orphanet 47044, MedGen C1336839, OMIM 605074, HP:0011797.

Allele frequency attached by ClinVar (database versions not stated): gnomAD exomes 0.00039; ExAC 0.00048; 1000 Genomes Project 0.00140; 1000 Genomes Project 30x 0.00141; gnomAD 0.00174 and 0.00185; TOPMed 0.00179; ESP Exome Variant Server 0.00231.
gnomAD v4.1: 549 of 1,612,962 alleles (0.034%); highest among the groups gnomAD compares: African/African-American, 0.63%; 2 homozygotes.

Submissions 1 to 13 of 19:

Labcorp Genetics (formerly Invitae), Labcorp
Classification: Benign for Gastrointestinal stromal tumor; Pheochromocytoma/paraganglioma syndrome 4; Pheochromocytoma. Last evaluated: 2026-02-04. Review status: criteria provided, single submitter. Criteria: Invitae Variant Classification Sherloc (09022015). Collection method: clinical testing. Allele origin: germline.

Blueprint Genetics
Classification: Likely benign. Last evaluated: 2024-11-01. Review status: criteria provided, single submitter. Criteria: ACMG Guidelines, 2015. Collection method: clinical testing. Allele origin: germline.

Color Diagnostics, LLC DBA Color Health
Classification: Benign for Hereditary pheochromocytoma and paraganglioma. Last evaluated: 2022-11-07. Review status: criteria provided, single submitter. Criteria: ACMG Guidelines, 2015. Collection method: clinical testing. Allele origin: germline.

Cancer Variant Interpretation Group UK, Institute of Cancer Research, London
Classification: Benign for Phaeochromocytoma. Last evaluated: 2022-03-11. Review status: criteria provided, single submitter. Criteria: ACMG Guidelines, 2015. Collection method: clinical testing. Allele origin: germline. Affected: yes. Observed: 2 variant alleles.
Comment: Data included in classification: Allele frequency is above 1x10-4 in gnomAD (77/14092 alleles in African population, MAF 0.5%, 92/114849 = MAF of 0.08% across all populations in gnomAD) (BA1_SA) Data not included in classification: Revel score 0.627 Observed in 3 UK probands with phaeochromocytoma/paraganglioma, one of which head and neck.

Seen in 92/114849 = 0.08% of population on all gnomAD v2.1.1 WES data (seen in 77/14092 alleles in African population (MAF 0.5%), 12/33966 alleles in latino population and 3/5462 from undefined populations in gnomAD))

Cancer Variant Interpretation Group UK, Institute of Cancer Research, London
Classification: Benign for Paraganglioma. Last evaluated: 2022-03-11. Review status: criteria provided, single submitter. Criteria: ACMG Guidelines, 2015. Collection method: clinical testing. Allele origin: germline. Affected: yes. Observed: 3 variant alleles.
Comment: the same text as in the submission from Cancer Variant Interpretation Group UK, Institute of Cancer Research, London above.

Fulgent Genetics
Classification: Likely benign for Pheochromocytoma/paraganglioma syndrome 4; Pheochromocytoma; Gastrointestinal stromal tumor; Carney-Stratakis syndrome; Mitochondrial complex 2 deficiency, nuclear type 4. Last evaluated: 2022-03-04. Review status: criteria provided, single submitter. Criteria: ACMG Guidelines, 2015. Collection method: clinical testing. Allele origin: unknown.

Quest Diagnostics Nichols Institute San Juan Capistrano
Classification: Benign. Last evaluated: 2022-01-28. Review status: criteria provided, single submitter. Criteria: Quest Diagnostics criteria. Collection method: clinical testing. Allele origin: unknown.

GeneDx
Classification: Likely benign. Last evaluated: 2021-09-21. Review status: criteria provided, single submitter. Criteria: GeneDx Variant Classification Process June 2021. Collection method: clinical testing. Allele origin: germline. Affected: yes.
Comment: This variant is associated with the following publications: (PMID: 24092654, 28374168, 24055113, 25637381, 26332594, 22835832, 18728283, 19576851, 30050099)

Sema4
Classification: Likely benign for Hereditary cancer-predisposing syndrome. Last evaluated: 2021-02-17. Review status: criteria provided, single submitter. Criteria: Sema4 Curation Guidelines. Collection method: curation. Allele origin: germline.

Women's Health and Genetics/Laboratory Corporation of America, LabCorp
Classification: Likely benign. Last evaluated: 2021-02-05. Review status: criteria provided, single submitter. Criteria: LabCorp Variant Classification Summary - May 2015. Collection method: clinical testing. Allele origin: germline.
Comment: Variant summary: SDHB c.32G>A (p.Arg11His) results in a non-conservative amino acid change in the encoded protein sequence. Three of five in-silico tools predict a damaging effect of the variant on protein function. The variant allele was found at a frequency of 0.00054 in 274908 control chromosomes, predominantly at a frequency of 0.0055 within the African or African-American subpopulation in the gnomAD database. The observed variant frequency within African or African-American control individuals in the gnomAD database is approximately 629 fold of the estimated maximal expected allele frequency for a pathogenic variant in SDHB causing Pheochromocytoma phenotype (8.8e-06), strongly suggesting that the variant is a benign polymorphism found primarily in populations of African or African-American origin. c.32G>A has been reported in the literature in at least an individual affected with adrenal Pheochromocytoma. However, the authors classified the variant as likely benign based on normal succinate: fumarate ratio obtained from a mass spectrometry-based screening assay performed on patient derived tissue samples (Richter_2019). Six other ClinVar submitters (evaluation after 2014) cite the variant as likely benign/benign. Based on the evidence outlined above, the variant was classified as likely benign.

Laboratory for Molecular Medicine, Mass General Brigham Personalized Medicine
Classification: Benign. Last evaluated: 2020-08-10. Review status: criteria provided, single submitter. Criteria: ACMG Guidelines, 2015. Collection method: clinical testing. Allele origin: germline.
Comment: The p.Arg11His variant in SDHB is classified as benign because it has high allele frequency. Although, ithas been reported in 1 individual with bilateral renal cell carcinoma (Ricketts 2008 PMID: 18728283), 1 individual with a neuroendocrine tumor but whose tumor was positive for SDHB immunostaining (van Nederveen 2009 PMID: 19576851), and classified as a VUS by Amendola (2015 PMID: 25637381) and Dorschner (2013 PMID: 24055113), it was also identified in 0.55% (133/24062) African chromosomes by gnomAD. This variant has also been reported in ClinVar (Variation ID 36768). Computational prediction tools and conservation analyses suggest that this variant may not impact the protein, though this information is not predictive enough to rule out pathogenicity. ACMG/AMP Criteria applied: BA1, BS4.

Cancer Variant Interpretation Group UK, Institute of Cancer Research, London
Classification: Likely benign for Pheochromocytoma; paraganglioma. Last evaluated: 2020-07-10. Review status: criteria provided, single submitter. Criteria: ACMG Guidelines, 2015. Collection method: clinical testing. Allele origin: germline. Affected: yes. Observed: 4 variant alleles.
Comment: This variant has also been observed in three unrelated (to our knowledge) diagnostic cases of PP/PGL (one of which has inner ear PGL). This variant has previously been reported in the literature in patients with bilateral renal cell carcinoma (PMID: 18728283) and neuroendocrine tumour (PMID: 19576851). Succinate:Fumarate ratio in tumour samples from a patient with this variant were observed to be within normal range, indicating neutral impact on protein function (PMID: 30050099) (BS3_supporting). This variant has been observed in 149/274308 total alleles in gnomAD; including 133/24062 African alleles (BS1_strong). Data included in classification: Functional data and control (gnomAD) data Data not included in classification: Incidence in literature and other reported probands In silico predictions (conflicting)

Mendelics
Classification: Likely benign for Gastrointestinal stromal tumor. Last evaluated: 2019-05-28. Review status: criteria provided, single submitter. Criteria: Mendelics Assertion Criteria 2017. Collection method: clinical testing. Allele origin: unknown.

NM_003000.3(SDHB):c.32G>A (p.Arg11His)

Gene: SDHB (succinate dehydrogenase complex iron sulfur subunit B; minus strand). Cytogenetic location: 1p36.13.
Variant type: single nucleotide variant.
Coding change: c.32G>A on transcript NM_003000.3 (MANE Select); coding-DNA position 32, G replaced by A.
Protein change: p.Arg11His; replaces arginine 11 with histidine.
Molecular consequence: missense variant.
Genome position (GRCh38, 1-based): chr1:17,053,988, C>T on the plus strand (G>A on the coding strand, the complement: SDHB is on the minus strand). VCF-style: chr1-17053988-C-T. GRCh37 (hg19) VCF-style: chr1-17380483-C-T.
Other names: short protein forms R11H.
Identifiers: ClinVar variation 36768 (VCV000036768.28), dbSNP rs111430410, ClinGen allele CA015753.